The following is an entry in ClinVar:

ClinVar aggregate classification (germline): Uncertain significance (1 of 4 stars; one submission).

Conditions:
Cardiovascular phenotype. Identifiers: MedGen CN230736.

Submission:

Ambry Genetics
Classification: Uncertain significance for Cardiovascular phenotype. Last evaluated: 2024-11-05. Review status: criteria provided, single submitter. Criteria: Ambry Variant Classification Scheme 2023. Collection method: clinical testing. Allele origin: germline.
Comment: The p.G728D variant (also known as c.2183G>A), located in coding exon 20 of the ANK2 gene, results from a G to A substitution at nucleotide position 2183. The glycine at codon 728 is replaced by aspartic acid, an amino acid with similar properties. This amino acid position is conserved. In addition, this alteration is predicted to be deleterious by in silico analysis. Based on the available evidence, the clinical significance of this variant remains unclear.

NM_001148.6(ANK2):c.2183G>A (p.Gly728Asp)

Gene: ANK2 (ankyrin 2; plus strand). Cytogenetic location: 4q26.
Variant type: single nucleotide variant.
Coding change: c.2183G>A on transcript NM_001148.6 (MANE Select); coding-DNA position 2183, G replaced by A.
Protein change: p.Gly728Asp; replaces glycine 728 with aspartic acid.
Molecular consequence: missense variant.
Genome position (GRCh38, 1-based): chr4:113,288,392, G>A. VCF-style: chr4-113288392-G-A. GRCh37 (hg19) VCF-style: chr4-114209548-G-A.
Other names: c.2120G>A, p.Gly707Asp (NM_001127493.3, NM_001354239.2, NM_001354243.2 and 10 more transcripts); c.2183G>A, p.Gly728Asp (NM_001354225.2, NM_001354228.2, NM_001354232.2 and 6 more transcripts); c.2228G>A, p.Gly743Asp (NM_001354230.2, NM_001354231.2, NM_001354237.2 and 5 more transcripts); c.2084G>A, p.Gly695Asp (NM_001354245.2, NM_001354268.2); c.2096G>A, p.Gly699Asp (NM_001354249.2, NM_001354264.2, NM_001354266.2 and 10 more transcripts); c.2021G>A, p.Gly674Asp (NM_001354253.2, NM_001354257.2, NM_001354270.2 and 1 more transcripts); c.1997G>A, p.Gly666Asp (NM_001354260.2, NM_001354271.2, NM_001386151.1); c.2141G>A, p.Gly714Asp (NM_001354261.2, NM_001386147.1, NM_001386160.1); and 8 more; short protein forms G745D, G600D, G662D, G707D, G716D, G728D, G633D, G658D.
Identifiers: ClinVar variation 3540509 (VCV003540509.1).